The following is an entry in ClinVar:

NM_000382.3(ALDH3A2):c.142G>T (p.Asp48Tyr)

Gene: ALDH3A2 (aldehyde dehydrogenase 3 family member A2; plus strand). Cytogenetic location: 17p11.2.
Variant type: single nucleotide variant.
Coding change: c.142G>T on transcript NM_000382.3 (MANE Select); coding-DNA position 142, G replaced by T.
Protein change: p.Asp48Tyr; replaces aspartic acid 48 with tyrosine.
Molecular consequence: missense variant. On other transcripts: 5 prime UTR variant (1).
Genome position (GRCh38, 1-based): chr17:19,649,113, G>T. VCF-style: chr17-19649113-G-T. GRCh37 (hg19) VCF-style: chr17-19552426-G-T.
Other names: c.142G>T, p.Asp48Tyr (NM_001031806.2, NM_001369136.1, NM_001369137.2 and 3 more transcripts); c.-547G>T (NM_001369148.2); short protein forms D48Y.
Identifiers: ClinVar variation 3338952 (VCV003338952.1).

ClinVar aggregate classification (germline): Likely pathogenic (1 of 4 stars; one submission).

Conditions:
Sjögren-Larsson syndrome (SLS). Also called: FALDH DEFICIENCY; FATTY ALCOHOL:NAD+ OXIDOREDUCTASE DEFICIENCY; FATTY ALDEHYDE DEHYDROGENASE DEFICIENCY; ICHTHYOSIS, SPASTIC NEUROLOGIC DISORDER, AND OLIGOPHRENIA. Identifiers: Orphanet 816, MedGen C0037231, MONDO:0010031, OMIM 270200.

gnomAD v4.1: 3 of 1,573,740 alleles (0.00019%); highest among the groups gnomAD compares: Non-Finnish European, 0.00017%; no homozygotes.

Submission:

Women's Health and Genetics/Laboratory Corporation of America, LabCorp
Classification: Likely pathogenic for Sjögren-Larsson syndrome. Last evaluated: 2024-07-11. Review status: criteria provided, single submitter. Criteria: LabCorp Variant Classification Summary - May 2015. Collection method: clinical testing. Allele origin: germline.
Comment: Variant summary: ALDH3A2 c.142G>T (p.Asp48Tyr) results in a non-conservative amino acid change located in the Aldehyde dehydrogenase domain (IPR015590) of the encoded protein sequence. Five of five in-silico tools predict a damaging effect of the variant on protein function. The frequency data for this variant in gnomAD is considered unreliable, as metrics indicate poor data quality at this position. c.142G>T has been reported in the literature in homozygous individuals affected with Sjogren-Larsson Syndrome (e.g. Sakai_2010). These data indicate that the variant is likely to be associated with disease. To our knowledge, no experimental evidence demonstrating an impact on protein function has been reported. The following publication has been ascertained in the context of this evaluation (PMID: 20883264). No submitters have cited clinical-significance assessments for this variant to ClinVar. Based on the evidence outlined above, the variant was classified as likely pathogenic.

Literature cited by the submitters: PubMed 20883264.